The following is an entry in ClinVar:

ClinVar aggregate classification (germline): Likely benign. Review status: criteria provided, single submitter (1 of 4 stars). 2 submissions from 2 submitters: Likely benign (1). 1 of the submissions does not count toward it. Last evaluated 2023-07-14.

Conditions:
ESPN-related disorder. Also called: ESPN-related condition.

Allele frequency attached by ClinVar (database versions not stated): gnomAD 0.00005; gnomAD exomes 0.00005; TOPMed 0.00005; 1000 Genomes Project 30x 0.00016; 1000 Genomes Project 0.00020.
gnomAD v4.1: 79 of 1,611,996 alleles (0.0049%); highest among the groups gnomAD compares: Middle Eastern, 0.033%; 1 homozygote.

Submissions (2):

Blueprint Genetics
Classification: Likely benign. Last evaluated: 2023-07-14. Review status: criteria provided, single submitter. Criteria: ACMG Guidelines, 2015. Collection method: clinical testing. Allele origin: germline.

PreventionGenetics, part of Exact Sciences
Classification: Likely benign for ESPN-related condition. Last evaluated: 2019-05-08. Review status: no assertion criteria provided. Collection method: clinical testing. Allele origin: germline. Not counted in ClinVar's aggregate classification.
Comment: This variant is classified as likely benign based on ACMG/AMP sequence variant interpretation guidelines (Richards et al. 2015 PMID: 25741868, with internal and published modifications).

NM_031475.3(ESPN):c.1916-6G>A

Gene: ESPN (espin; plus strand). Cytogenetic location: 1p36.31.
Variant type: single nucleotide variant.
Coding change: c.1916-6G>A on transcript NM_031475.3 (MANE Select); 6 bases into the intron before coding-DNA position 1916, G replaced by A.
Molecular consequence: intron variant.
Genome position (GRCh38, 1-based): chr1:6,451,597, G>A. VCF-style: chr1-6451597-G-A. GRCh37 (hg19) VCF-style: chr1-6511657-G-A.
Other names: c.1853-6G>A (NM_001367474.1); c.1826-6G>A (NM_001367473.1).
Identifiers: ClinVar variation 3041734 (VCV003041734.3), dbSNP rs570137188, ClinGen allele CA560315.
Genomic context (GRCh38, chr1:6,451,597, plus strand): 5'-GCGGGTGAGGGGTGGCGGGGATGCAGCCCCACCCTGGCCAGTGCCTCATCTCCTGCCTCC[G>A]CATAGGCACCAAGTCTTTCAACATGATGTCCCCGACGGGCGACAACTCGGAGCTACTGGC-3'